The following is an entry in ClinVar:

ClinVar aggregate classification (germline): Uncertain significance (1 of 4 stars; one submission).

Conditions:
Gamma-aminobutyric acid transaminase deficiency (GABATD). Also called: GABA transaminase deficiency; Gamma aminobutyrate transaminase deficiency; 4 alpha aminobutyrate transaminase deficiency; GABA aminotransaminase deficiency. Identifiers: Orphanet 2066, MedGen C0342708, MONDO:0013166, OMIM 613163.

Submission:

Labcorp Genetics (formerly Invitae), Labcorp
Classification: Uncertain significance for Gamma-aminobutyric acid transaminase deficiency. Last evaluated: 2022-06-30. Review status: criteria provided, single submitter. Criteria: Invitae Variant Classification Sherloc (09022015). Collection method: clinical testing. Allele origin: germline.
Comment: In summary, the available evidence is currently insufficient to determine the role of this variant in disease. Therefore, it has been classified as a Variant of Uncertain Significance. Algorithms developed to predict the effect of missense changes on protein structure and function (SIFT, PolyPhen-2, Align-GVGD) all suggest that this variant is likely to be tolerated. This variant has not been reported in the literature in individuals affected with ABAT-related conditions. This variant is not present in population databases (gnomAD no frequency). This sequence change replaces leucine, which is neutral and non-polar, with valine, which is neutral and non-polar, at codon 21 of the ABAT protein (p.Leu21Val).

NM_020686.6(ABAT):c.61C>G (p.Leu21Val)

Gene: ABAT (4-aminobutyrate aminotransferase; plus strand). Cytogenetic location: 16p13.2.
Variant type: single nucleotide variant.
Coding change: c.61C>G on transcript NM_020686.6 (MANE Select); coding-DNA position 61, C replaced by G.
Protein change: p.Leu21Val; replaces leucine 21 with valine.
Molecular consequence: missense variant. On other transcripts: intron variant (3).
Genome position (GRCh38, 1-based): chr16:8,735,800, C>G. VCF-style: chr16-8735800-C-G. GRCh37 (hg19) VCF-style: chr16-8829657-C-G.
Other names: c.61C>G, p.Leu21Val (NM_000663.5, NM_001127448.2, NM_001386600.1 and 13 more transcripts); c.-65-10201C>G (NM_001386611.1, NM_001386612.1, NM_001386613.1); short protein forms L21V.
Identifiers: ClinVar variation 2012534 (VCV002012534.4), dbSNP rs2548960092, ClinGen allele CA394691238.